The following is an entry in ClinVar:

NM_004279.3(PMPCB):c.881C>T (p.Ala294Val)

Gene: PMPCB (peptidase, mitochondrial processing subunit beta; plus strand). Cytogenetic location: 7q22.1.
Variant type: single nucleotide variant.
Coding change: c.881C>T on transcript NM_004279.3 (MANE Select); coding-DNA position 881, C replaced by T.
Protein change: p.Ala294Val; replaces alanine 294 with valine.
Molecular consequence: missense variant.
Genome position (GRCh38, 1-based): chr7:103,308,983, C>T. VCF-style: chr7-103308983-C-T. GRCh37 (hg19) VCF-style: chr7-102949430-C-T.
Other names: short protein forms A294V.
Identifiers: ClinVar variation 2060075 (VCV002060075.4), dbSNP rs142471700, ClinGen allele CA4418117.

ClinVar aggregate classification (germline): Uncertain significance (1 of 4 stars; one submission).

Allele frequency attached by ClinVar (database versions not stated): gnomAD 0.00017; gnomAD exomes 0.00031; ESP Exome Variant Server 0.00015; ExAC 0.00017; TOPMed 0.00019.
gnomAD v4.1: 465 of 1,598,612 alleles (0.029%); highest among the groups gnomAD compares: Non-Finnish European, 0.037%; 1 homozygote.

Submission:

Labcorp Genetics (formerly Invitae), Labcorp
Classification: Uncertain significance. Last evaluated: 2022-08-06. Review status: criteria provided, single submitter. Criteria: Invitae Variant Classification Sherloc (09022015). Collection method: clinical testing. Allele origin: germline.
Comment: In summary, the available evidence is currently insufficient to determine the role of this variant in disease. Therefore, it has been classified as a Variant of Uncertain Significance. Algorithms developed to predict the effect of missense changes on protein structure and function (SIFT, PolyPhen-2, Align-GVGD) all suggest that this variant is likely to be tolerated. This variant has not been reported in the literature in individuals affected with PMPCB-related conditions. This variant is present in population databases (rs142471700, gnomAD 0.03%). This sequence change replaces alanine, which is neutral and non-polar, with valine, which is neutral and non-polar, at codon 294 of the PMPCB protein (p.Ala294Val).